The following is an entry in ClinVar:

ClinVar aggregate classification (germline): Uncertain significance (1 of 4 stars; one submission).

Conditions:
Achondrogenesis, type IA (ACG1A). Identifiers: Orphanet 932, Orphanet 93299, MedGen C0265273, MONDO:0008701, OMIM 200600.

Allele frequency attached by ClinVar (database versions not stated): ExAC 0.00014; gnomAD 0.00019; gnomAD exomes 0.00020; 1000 Genomes Project 30x 0.00031; 1000 Genomes Project 0.00040.
gnomAD v4.1: 312 of 1,614,166 alleles (0.019%); highest among the groups gnomAD compares: Non-Finnish European, 0.025%; no homozygotes.

Submission:

Labcorp Genetics (formerly Invitae), Labcorp
Classification: Uncertain significance for Achondrogenesis, type IA. Last evaluated: 2024-01-02. Review status: criteria provided, single submitter. Criteria: Invitae Variant Classification Sherloc (09022015). Collection method: clinical testing. Allele origin: germline.
Comment: This sequence change replaces serine, which is neutral and polar, with cysteine, which is neutral and slightly polar, at codon 1318 of the TRIP11 protein (p.Ser1318Cys). This variant is present in population databases (rs554457054, gnomAD 0.03%). This variant has not been reported in the literature in individuals affected with TRIP11-related conditions. ClinVar contains an entry for this variant (Variation ID: 2162837). Advanced modeling of protein sequence and biophysical properties (such as structural, functional, and spatial information, amino acid conservation, physicochemical variation, residue mobility, and thermodynamic stability) performed at Invitae indicates that this missense variant is not expected to disrupt TRIP11 protein function with a negative predictive value of 80%. In summary, the available evidence is currently insufficient to determine the role of this variant in disease. Therefore, it has been classified as a Variant of Uncertain Significance.

NM_004239.4(TRIP11):c.3953C>G (p.Ser1318Cys)

Gene: TRIP11 (thyroid hormone receptor interactor 11; minus strand). Cytogenetic location: 14q32.12.
Variant type: single nucleotide variant.
Coding change: c.3953C>G on transcript NM_004239.4 (MANE Select); coding-DNA position 3953, C replaced by G.
Protein change: p.Ser1318Cys; replaces serine 1318 with cysteine.
Molecular consequence: missense variant.
Genome position (GRCh38, 1-based): chr14:92,004,023, G>C on the plus strand (C>G on the coding strand, the complement: TRIP11 is on the minus strand). VCF-style: chr14-92004023-G-C. GRCh37 (hg19) VCF-style: chr14-92470367-G-C.
Other names: c.3950C>G, p.Ser1317Cys (NM_001321851.1); short protein forms S1317C, S1318C.
Identifiers: ClinVar variation 2162837 (VCV002162837.2), dbSNP rs554457054, ClinGen allele CA7313548.
Genomic context (GRCh38, chr14:92,004,023, plus strand): 5'-AATACTTCAGACTTACTTGCTCTAAGACACTCTGCAGACTGGGGAGTAAGCAATGATGCA[G>C]AAGACAGCTGGGGTGAAATAATATCAAGTTTTCCTAAAAGAAGATCCTTGGTATTGCAAA-3'
Protein context (NP_004230.2, residues 1308-1328): KLDIISPQLS[Ser1318Cys]ASLLTPQSAE